The following is an entry in ClinVar:

NM_001020658.2(PUM1):c.239T>C (p.Met80Thr)

Gene: PUM1 (pumilio RNA binding family member 1; minus strand). Cytogenetic location: 1p35.2.
Variant type: single nucleotide variant.
Coding change: c.239T>C on transcript NM_001020658.2 (MANE Select); coding-DNA position 239, T replaced by C.
Protein change: p.Met80Thr; replaces methionine 80 with threonine.
Molecular consequence: missense variant.
Genome position (GRCh38, 1-based): chr1:31,059,328, A>G on the plus strand (T>C on the coding strand, the complement: PUM1 is on the minus strand). VCF-style: chr1-31059328-A-G. GRCh37 (hg19) VCF-style: chr1-31532175-A-G.
Other names: c.239T>C, p.Met80Thr (NM_014676.3); short protein forms M80T.
Identifiers: ClinVar variation 3375947 (VCV003375947.2).

ClinVar aggregate classification (germline): Uncertain significance (1 of 4 stars; one submission).

Submission:

GeneDx
Classification: Uncertain significance. Last evaluated: 2026-02-08. Review status: criteria provided, single submitter. Criteria: GeneDx Variant Classification Process June 2021. Collection method: clinical testing. Allele origin: germline.
Comment: Not observed at significant frequency in large population cohorts (gnomAD); In silico analysis suggests that this missense variant does not alter protein structure/function; Has not been previously published as pathogenic or benign to our knowledge